The following is an entry in ClinVar:

ClinVar aggregate classification (germline): Likely benign. Review status: criteria provided, multiple submitters, no conflicts (2 of 4 stars). 3 submissions from 3 submitters: Likely benign (2). 1 of the submissions does not count toward it. Last evaluated 2018-07-16.

Conditions:
MYO1F-related disorder. Also called: MYO1F-related condition.

Allele frequency attached by ClinVar (database versions not stated): gnomAD 0.00041 and 0.00049; TOPMed 0.00045; gnomAD exomes 0.00067 and 0.00068; ExAC 0.00073; ESP Exome Variant Server 0.00089; 1000 Genomes Project 30x 0.00094; 1000 Genomes Project 0.00100.
gnomAD v4.1: 1,066 of 1,612,812 alleles (0.066%); highest among the groups gnomAD compares: Middle Eastern, 0.23%; 4 homozygotes.

Submissions (3):

GeneDx
Classification: Likely benign. Last evaluated: 2018-07-16. Review status: criteria provided, single submitter. Criteria: GeneDx Variant Classification Process June 2021. Collection method: clinical testing. Allele origin: germline. Affected: yes.

Breakthrough Genomics
Classification: Likely benign. Review status: criteria provided, single submitter. Criteria: ACMG Guidelines, 2015. Collection method: not provided. Allele origin: germline. Inheritance: Unknown mechanism. Affected: yes.

PreventionGenetics, part of Exact Sciences
Classification: Likely benign for MYO1F-related condition. Last evaluated: 2022-06-21. Review status: no assertion criteria provided. Collection method: clinical testing. Allele origin: germline. Not counted in ClinVar's aggregate classification.
Comment: This variant is classified as likely benign based on ACMG/AMP sequence variant interpretation guidelines (Richards et al. 2015 PMID: 25741868, with internal and published modifications).

NM_012335.4(MYO1F):c.3070G>A (p.Val1024Met)

Gene: MYO1F (myosin IF; minus strand). Cytogenetic location: 19p13.2.
Variant type: single nucleotide variant.
Coding change: c.3070G>A on transcript NM_012335.4 (MANE Select); coding-DNA position 3070, G replaced by A.
Protein change: p.Val1024Met; replaces valine 1024 with methionine.
Molecular consequence: missense variant.
Genome position (GRCh38, 1-based): chr19:8,522,527, C>T on the plus strand (G>A on the coding strand, the complement: MYO1F is on the minus strand). VCF-style: chr19-8522527-C-T. GRCh37 (hg19) VCF-style: chr19-8587411-C-T.
Other names: c.3058G>A, p.Val1020Met (NM_001348355.2); short protein forms V1020M, V1024M.
Identifiers: ClinVar variation 1317848 (VCV001317848.5), dbSNP rs201982814, ClinGen allele CA9158673.